The following is an entry in ClinVar:

NM_001171.6(ABCC6):c.4060G>A (p.Gly1354Ser)

Gene: ABCC6 (ATP binding cassette subfamily C member 6; minus strand). Cytogenetic location: 16p13.11.
Variant type: single nucleotide variant.
Coding change: c.4060G>A on transcript NM_001171.6 (MANE Select); coding-DNA position 4060, G replaced by A.
Protein change: p.Gly1354Ser; replaces glycine 1354 with serine.
Molecular consequence: missense variant. On other transcripts: non-coding transcript variant (1).
Genome position (GRCh38, 1-based): chr16:16,154,776, C>T on the plus strand (G>A on the coding strand, the complement: ABCC6 is on the minus strand). VCF-style: chr16-16154776-C-T. GRCh37 (hg19) VCF-style: chr16-16248633-C-T.
Other names: c.3718G>A, p.Gly1240Ser (NM_001351800.1); short protein forms G1354S, G1240S.
Identifiers: ClinVar variation 2095495 (VCV002095495.3), dbSNP rs63750018, ClinGen allele CA394884796.

ClinVar aggregate classification (germline): Likely pathogenic (1 of 4 stars; one submission).

Submission:

Labcorp Genetics (formerly Invitae), Labcorp
Classification: Likely pathogenic. Last evaluated: 2022-04-09. Review status: criteria provided, single submitter. Criteria: Invitae Variant Classification Sherloc (09022015). Collection method: clinical testing. Allele origin: germline.
Comment: In summary, the currently available evidence indicates that the variant is pathogenic, but additional data are needed to prove that conclusively. Therefore, this variant has been classified as Likely Pathogenic. This variant disrupts the p.Gly1354 amino acid residue in ABCC6. Other variant(s) that disrupt this residue have been determined to be pathogenic (PMID: 11702217). This suggests that this residue is clinically significant, and that variants that disrupt this residue are likely to be disease-causing. Algorithms developed to predict the effect of sequence changes on RNA splicing suggest that this variant may create or strengthen a splice site. Advanced modeling of protein sequence and biophysical properties (such as structural, functional, and spatial information, amino acid conservation, physicochemical variation, residue mobility, and thermodynamic stability) performed at Invitae indicates that this missense variant is expected to disrupt ABCC6 protein function. This variant has not been reported in the literature in individuals affected with ABCC6-related conditions. This variant is not present in population databases (gnomAD no frequency). This sequence change replaces glycine, which is neutral and non-polar, with serine, which is neutral and polar, at codon 1354 of the ABCC6 protein (p.Gly1354Ser).

Literature cited by the submitters: PubMed 11702217.